The following is an entry in ClinVar:

ClinVar aggregate classification (germline): Uncertain significance. Review status: criteria provided, multiple submitters, no conflicts (2 of 4 stars). 2 submissions from 2 submitters: Uncertain significance (2). Last evaluated 2025-05-01.

Allele frequency attached by ClinVar (database versions not stated): gnomAD 0.00001; ExAC 0.00002; TOPMed 0.00002; gnomAD exomes 0.00003; 1000 Genomes Project 0.00020; 1000 Genomes Project 30x 0.00031.
gnomAD v4.1: 46 of 1,613,980 alleles (0.0029%); highest among the groups gnomAD compares: Non-Finnish European, 0.0037%; no homozygotes.

Submissions (2):

CeGaT Center for Human Genetics Tuebingen
Classification: Uncertain significance. Last evaluated: 2025-05-01. Review status: criteria provided, single submitter. Criteria: CeGaT Center For Human Genetics Tuebingen Variant Classification Criteria Version 2. Collection method: clinical testing. Allele origin: germline. Affected: yes. Observed: 1 variant allele.
Comment: CLCN2: PM2

Labcorp Genetics (formerly Invitae), Labcorp
Classification: Uncertain significance. Last evaluated: 2022-07-26. Review status: criteria provided, single submitter. Criteria: Invitae Variant Classification Sherloc (09022015). Collection method: clinical testing. Allele origin: germline.
Comment: In summary, the available evidence is currently insufficient to determine the role of this variant in disease. Therefore, it has been classified as a Variant of Uncertain Significance. Algorithms developed to predict the effect of sequence changes on RNA splicing suggest that this variant may create or strengthen a splice site. Algorithms developed to predict the effect of missense changes on protein structure and function are either unavailable or do not agree on the potential impact of this missense change (SIFT: "Deleterious"; PolyPhen-2: "Probably Damaging"; Align-GVGD: "Class C0"). This variant has not been reported in the literature in individuals affected with CLCN2-related conditions. This variant is present in population databases (rs200416033, gnomAD 0.004%). This sequence change replaces arginine, which is basic and polar, with tryptophan, which is neutral and slightly polar, at codon 701 of the CLCN2 protein (p.Arg701Trp).

NM_004366.6(CLCN2):c.2101A>T (p.Arg701Trp)

Gene: CLCN2 (chloride voltage-gated channel 2; minus strand). Cytogenetic location: 3q27.1.
Variant type: single nucleotide variant.
Coding change: c.2101A>T on transcript NM_004366.6 (MANE Select); coding-DNA position 2101, A replaced by T.
Protein change: p.Arg701Trp; replaces arginine 701 with tryptophan.
Molecular consequence: missense variant.
Genome position (GRCh38, 1-based): chr3:184,353,075, T>A on the plus strand (A>T on the coding strand, the complement: CLCN2 is on the minus strand). VCF-style: chr3-184353075-T-A. GRCh37 (hg19) VCF-style: chr3-184070863-T-A.
Other names: c.2050A>T, p.Arg684Trp (NM_001171087.3); c.1969A>T, p.Arg657Trp (NM_001171088.3); c.2101A>T, p.Arg701Trp (NM_001171089.3); short protein forms R684W, R657W, R701W.
Identifiers: ClinVar variation 2037390 (VCV002037390.14), dbSNP rs200416033, ClinGen allele CA2733866.